The following is an entry in ClinVar:

NM_001134363.3(RBM20):c.536G>A (p.Gly179Asp)

Gene: RBM20 (RNA binding motif protein 20; plus strand). Cytogenetic location: 10q25.2.
Variant type: single nucleotide variant.
Coding change: c.536G>A on transcript NM_001134363.3 (MANE Select); coding-DNA position 536, G replaced by A.
Protein change: p.Gly179Asp; replaces glycine 179 with aspartic acid.
Molecular consequence: missense variant.
Genome position (GRCh38, 1-based): chr10:110,781,145, G>A. VCF-style: chr10-110781145-G-A. GRCh37 (hg19) VCF-style: chr10-112540903-G-A.
Other names: short protein forms G179D.
Identifiers: ClinVar variation 179552 (VCV000179552.8), dbSNP rs727504943, ClinGen allele CA184645.

ClinVar aggregate classification (germline): Uncertain significance. Review status: criteria provided, multiple submitters, no conflicts (2 of 4 stars). 3 submissions from 3 submitters: Uncertain significance (2). 1 of the submissions does not count toward it. Last evaluated 2021-03-24.

Conditions:
Left ventricular noncompaction cardiomyopathy. Also called: left ventricular non-compaction cardiomyopathy. Identifiers: MedGen C4021133, HP:0011664.
Cardiomyopathy (CMYO). Also called: Cardiomyopathies. Identifiers: Orphanet 167848, MedGen C0878544, MONDO:0004994, HP:0001638. Inheritance: Various modes of inheritance.

Allele frequency attached by ClinVar (database versions not stated): gnomAD 0.00001; TOPMed 0.00001.
gnomAD v4.1: 4 of 1,551,518 alleles (0.00026%); highest among the groups gnomAD compares: Non-Finnish European, 0.00026%; no homozygotes.

Submissions (3):

CHEO Genetics Diagnostic Laboratory, Children's Hospital of Eastern Ontario
Classification: Uncertain significance for Cardiomyopathy. Last evaluated: 2021-03-24. Review status: criteria provided, single submitter. Criteria: ACMG Guidelines, 2015. Collection method: clinical testing. Allele origin: germline.

Laboratory for Molecular Medicine, Mass General Brigham Personalized Medicine
Classification: Uncertain significance. Last evaluated: 2015-02-10. Review status: criteria provided, single submitter. Criteria: LMM Criteria. Collection method: clinical testing. Allele origin: germline. Observed: 2 variant alleles.
Comment: Data from large population studies are insufficient to a ssess the frequency of this variant. Computational prediction tools and conserva tion analysis do not provide strong support for or against an impact to the prot ein. In summary, the clinical significance of the p.Gly179Asp variant is uncerta in.

Agnes Ginges Centre for Molecular Cardiology, Centenary Institute
Classification: Uncertain significance for Left ventricular noncompaction cardiomyopathy. Last evaluated: 2019-05-07. Review status: no assertion criteria provided. Collection method: research. Allele origin: germline. Inheritance: Autosomal dominant inheritance. Affected: yes. Not counted in ClinVar's aggregate classification.
Comment: This variant has been identified as part of our research program. For further information please feel free to contact us.